The following is an entry in ClinVar:

NM_005359.6(SMAD4):c.1308+4A>G

Gene: SMAD4 (SMAD family member 4; plus strand). Cytogenetic location: 18q21.2.
Variant type: single nucleotide variant.
Coding change: c.1308+4A>G on transcript NM_005359.6 (MANE Select); 4 bases into the intron after coding-DNA position 1308, A replaced by G.
Molecular consequence: intron variant.
Genome position (GRCh38, 1-based): chr18:51,067,191, A>G. VCF-style: chr18-51067191-A-G. GRCh37 (hg19) VCF-style: chr18-48593561-A-G.
Other names: c.1308+4A>G (NM_001407042.1, NM_001407041.1).
Identifiers: ClinVar variation 4039594 (VCV004039594.1).
Genomic context (GRCh38, chr18:51,067,191, plus strand): 5'-GCTGGGCGTGCACCTGGAGATGCTGTTCATAAGATCTACCCAAGTGCATATATAAAGGTT[A>G]GTTACAATTTTATTTGAATATTTTAGACTTAAAGCTCTATTTGTTGTCAAAAGAATTGAA-3'

ClinVar aggregate classification (germline): Uncertain significance (1 of 4 stars; one submission).

Conditions:
Familial thoracic aortic aneurysm and aortic dissection (TAAD). Also called: Thoracic aortic aneurysms and dissections. Identifiers: Orphanet 91387, MedGen C4707243, MONDO:0019625.
Hereditary cancer-predisposing syndrome. Also called: Neoplastic Syndromes, Hereditary; Tumor predisposition; Hereditary neoplastic syndrome; Hereditary Cancer Syndrome. Identifiers: Orphanet 140162, MedGen C0027672, MeSH D009386, MONDO:0015356.

Submission:

Ambry Genetics
Classification: Uncertain significance for Hereditary cancer-predisposing syndrome; Familial thoracic aortic aneurysm and aortic dissection. Last evaluated: 2025-04-16. Review status: criteria provided, single submitter. Criteria: Ambry Variant Classification Scheme 2023. Collection method: clinical testing. Allele origin: germline.
Comment: The c.1308+4A>G intronic variant results from an A to G substitution 4 nucleotides after coding exon 9 in the SMAD4 gene. This nucleotide position is well conserved in available vertebrate species. In silico splice site analysis predicts that this alteration will not have any significant effect on splicing. Based on the available evidence, the clinical significance of this variant remains unclear.